The following is an entry in ClinVar:

NM_005573.4(LMNB1):c.100GAG[1] (p.Glu35del)

Gene: LMNB1 (lamin B1; plus strand). Cytogenetic location: 5q23.2.
Variant type: Microsatellite.
Coding change: c.100GAG[1] on transcript NM_005573.4 (MANE Select); one copy of the 3-base unit GAG starting at c.100; the reference has two copies in a row; one copy, 3 bases deleted.
Protein change: p.Glu35del; deletes glutamic acid 35.
Molecular consequence: inframe deletion. On other transcripts: non-coding transcript variant (2), intron variant (1).
Genome position (GRCh38, 1-based): chr5:126,777,611-126,777,613, GAG deleted; deleting any 3 consecutive bases within chr5:126,777,606-126,777,613 gives the same sequence; the position shown is the placement nearest the transcript's 3' end. VCF-style (leftmost placement, unchanged base first): chr5-126777605-AAGG-A. GRCh37 (hg19) VCF-style: chr5-126113297-AAGG-A.
Other names: c.-272+367_-272+369del (NM_001198557.2); short protein forms E35del.
Identifiers: ClinVar variation 2575710 (VCV002575710.1), dbSNP rs2479404245, ClinGen allele CA2580613648.

ClinVar aggregate classification (germline): Uncertain significance (1 of 4 stars; one submission).

Submission:

GeneDx
Classification: Uncertain significance. Last evaluated: 2023-01-24. Review status: criteria provided, single submitter. Criteria: GeneDx Variant Classification Process June 2021. Collection method: clinical testing. Allele origin: germline. Affected: yes.
Comment: Not observed at significant frequency in large population cohorts (gnomAD); In-frame deletion of 1 amino acid in a non-repeat region; In silico analysis supports a deleterious effect on protein structure/function; Has not been previously published as pathogenic or benign to our knowledge